The following is an entry in ClinVar:

NM_006790.3(MYOT):c.186C>G (p.Ile62Met)

Genes: MYOT (myotilin; plus strand), PKD2L2-DT (PKD2L2 divergent transcript; minus strand). Cytogenetic location: 5q31.2.
Variant type: single nucleotide variant.
Coding change: c.186C>G on transcript NM_006790.3 (MANE Select); coding-DNA position 186, C replaced by G.
Protein change: p.Ile62Met; replaces isoleucine 62 with methionine.
Molecular consequence: missense variant. On other transcripts: intron variant (2).
Genome position (GRCh38, 1-based): chr5:137,870,837, C>G. VCF-style: chr5-137870837-C-G. GRCh37 (hg19) VCF-style: chr5-137206526-C-G.
Other names: c.-120-40C>G (NM_001300911.2); c.-197+312C>G (NM_001135940.2); short protein forms I62M.
Identifiers: ClinVar variation 5002825 (VCV005002825.1).

ClinVar aggregate classification (germline): Uncertain significance (1 of 4 stars; one submission).

Conditions:
Myofibrillar myopathy 3 (MFM3). Also called: Muscular dystrophy, proximal, type 1A; Autosomal dominant spheroid body myopathy. Identifiers: Orphanet 266, Orphanet 268129, MedGen C3714934, MONDO:0012215, OMIM 609200.

Submission:

OLLIN Analises Genomicas, OLLIN
Classification: Uncertain significance for Myofibrillar myopathy 3. Last evaluated: 2026-08-06. Review status: criteria provided, single submitter. Criteria: ACMG Guidelines 2015 PMID 25741868. Collection method: clinical testing. Allele origin: germline. Inheritance: Autosomal dominant inheritance.
Comment: This missense variant, located in exon 2 (of 10), is absent from gnomAD and ClinVar and has not been identified in the literature. In silico analysis predicts that this variant has a tolerated effect. According to the currently available evidence, this variant has been classified as uncertain significance (PM2_P, BP4_M).